The following is an entry in ClinVar:

NM_170606.3(KMT2C):c.2194C>T (p.Leu732Phe)

Gene: KMT2C (lysine methyltransferase 2C; minus strand). Cytogenetic location: 7q36.1.
Variant type: single nucleotide variant.
Coding change: c.2194C>T on transcript NM_170606.3 (MANE Select); coding-DNA position 2194, C replaced by T.
Protein change: p.Leu732Phe; replaces leucine 732 with phenylalanine.
Molecular consequence: missense variant.
Genome position (GRCh38, 1-based): chr7:152,248,240, G>A on the plus strand (C>T on the coding strand, the complement: KMT2C is on the minus strand). VCF-style: chr7-152248240-G-A. GRCh37 (hg19) VCF-style: chr7-151945325-G-A.
Other names: short protein forms L732F.
Identifiers: ClinVar variation 2658236 (VCV002658236.24), dbSNP rs573054156, ClinGen allele CA4581293.

ClinVar aggregate classification (germline): Benign (1 of 4 stars; one submission).

Allele frequency attached by ClinVar (database versions not stated): ExAC 0.00017; 1000 Genomes Project 0.00020.

Submission:

CeGaT Center for Human Genetics Tuebingen
Classification: Benign. Last evaluated: 2022-07-01. Review status: criteria provided, single submitter. Criteria: CeGaT Center For Human Genetics Tuebingen Variant Classification Criteria Version 2. Collection method: clinical testing. Allele origin: germline. Affected: yes. Observed: 1 variant allele.
Comment: KMT2C: BS1, BS2